The following is an entry in ClinVar:

NM_006231.4(POLE):c.3460-3C>A

Gene: POLE (DNA polymerase epsilon, catalytic subunit; minus strand). Cytogenetic location: 12q24.33.
Variant type: single nucleotide variant.
Coding change: c.3460-3C>A on transcript NM_006231.4 (MANE Select); 3 bases into the intron before coding-DNA position 3460, C replaced by A.
Molecular consequence: intron variant.
Genome position (GRCh38, 1-based): chr12:132,657,261, G>T on the plus strand (C>A on the coding strand, the complement: POLE is on the minus strand). VCF-style: chr12-132657261-G-T. GRCh37 (hg19) VCF-style: chr12-133233847-G-T.
Identifiers: ClinVar variation 3724628 (VCV003724628.2).

ClinVar aggregate classification (germline): Uncertain significance (1 of 4 stars; one submission).

Submission:

Labcorp Genetics (formerly Invitae), Labcorp
Classification: Uncertain significance. Last evaluated: 2025-09-02. Review status: criteria provided, single submitter. Criteria: Invitae Variant Classification Sherloc (09022015). Collection method: clinical testing. Allele origin: germline.
Comment: This sequence change falls in intron 28 of the POLE gene. It does not directly change the encoded amino acid sequence of the POLE protein. It affects a nucleotide within the consensus splice site. This variant is not present in population databases (gnomAD no frequency). This variant has not been reported in the literature in individuals affected with POLE-related conditions. ClinVar contains an entry for this variant (Variation ID: 3724628). Variants that disrupt the consensus splice site are a relatively common cause of aberrant splicing (PMID: 17576681, 9536098). Algorithms developed to predict the effect of sequence changes on RNA splicing suggest that this variant may disrupt the consensus splice site. In summary, the available evidence is currently insufficient to determine the role of this variant in disease. Therefore, it has been classified as a Variant of Uncertain Significance.

Literature cited by the submitters: PubMed 17576681; PubMed 9536098.